The following is an entry in ClinVar:

NM_032495.6(HOPX):c.124G>A (p.Val42Ile)

Gene: HOPX (HOP homeobox; minus strand). Cytogenetic location: 4q12.
Variant type: single nucleotide variant.
Coding change: c.124G>A on transcript NM_032495.6 (MANE Select); coding-DNA position 124, G replaced by A.
Protein change: p.Val42Ile; replaces valine 42 with isoleucine.
Molecular consequence: missense variant.
Genome position (GRCh38, 1-based): chr4:56,655,931, C>T on the plus strand (G>A on the coding strand, the complement: HOPX is on the minus strand). VCF-style: chr4-56655931-C-T. GRCh37 (hg19) VCF-style: chr4-57522097-C-T.
Other names: c.70G>A, p.Val24Ile (NM_001145459.2, NM_139211.5, NM_139212.4); c.124G>A, p.Val42Ile (NM_001145460.2); c.124G>A (NM_001145460.1); short protein forms V24I, V42I.
Identifiers: ClinVar variation 47881 (VCV000047881.5), dbSNP rs483353075, ClinGen allele CA142093.

ClinVar aggregate classification (germline): Uncertain significance. Review status: criteria provided, multiple submitters, no conflicts (2 of 4 stars). 2 submissions from 2 submitters: Uncertain significance (2). Last evaluated 2025-10-14.

Allele frequency attached by ClinVar (database versions not stated): gnomAD exomes 0.00008; ExAC 0.00010; gnomAD 0.00004; TOPMed 0.00005.
gnomAD v4.1: 80 of 1,611,844 alleles (0.005%); highest among the groups gnomAD compares: Non-Finnish European, 0.0029%; no homozygotes.

Submissions (2):

Ambry Genetics
Classification: Uncertain significance. Last evaluated: 2025-10-14. Review status: criteria provided, single submitter. Criteria: Ambry Variant Classification Scheme 2023. Collection method: clinical testing. Allele origin: germline.

Laboratory for Molecular Medicine, Mass General Brigham Personalized Medicine
Classification: Uncertain significance. Last evaluated: 2010-07-07. Review status: criteria provided, single submitter. Criteria: LMM Criteria. Collection method: clinical testing. Allele origin: germline. Observed: 6 variant alleles.
Comment: The Val24Ile variant has not been reported in the literature. It was absent from 338 Caucasian or 376 Black control chromosomes, excluding the possibility that it is a common variant in these populations (LMM, unpublished data). Valine at p osition 24 is conserved in mammals and chicken but one species (pufferfish) natu rally carries isoleucine (Ile), raising the possibility that the change observed in this individual may be tolerated. In addition, the Val24Ile variant segregat es in this family along with a second, likely pathogenic variant, which decrease s the likelihood that the Val24Ile variant is disease causing in isolation. How ever, we cannot determine its clinical significance without additional studies.